The following is an entry in ClinVar:

ClinVar aggregate classification (germline): Uncertain significance (1 of 4 stars; one submission).

gnomAD v4.1: 1 of 1,613,808 alleles (0.000062%); highest among the groups gnomAD compares: African/African-American, 0.0013%; no homozygotes.

Submission:

Labcorp Genetics (formerly Invitae), Labcorp
Classification: Uncertain significance. Last evaluated: 2024-10-24. Review status: criteria provided, single submitter. Criteria: Invitae Variant Classification Sherloc (09022015). Collection method: clinical testing. Allele origin: germline.
Comment: This sequence change replaces serine, which is neutral and polar, with phenylalanine, which is neutral and non-polar, at codon 213 of the SGMS2 protein (p.Ser213Phe). This variant is present in population databases (rs754806409, gnomAD 0.007%). This variant has not been reported in the literature in individuals affected with SGMS2-related conditions. Invitae Evidence Modeling of protein sequence and biophysical properties (such as structural, functional, and spatial information, amino acid conservation, physicochemical variation, residue mobility, and thermodynamic stability) indicates that this missense variant is expected to disrupt SGMS2 protein function with a positive predictive value of 80%. In summary, the available evidence is currently insufficient to determine the role of this variant in disease. Therefore, it has been classified as a Variant of Uncertain Significance.

NM_001375905.1(SGMS2):c.638C>T (p.Ser213Phe)

Genes: CYP2U1-AS1 (CYP2U1 and SGMS2 antisense RNA 1; minus strand), SGMS2 (sphingomyelin synthase 2; plus strand). Cytogenetic location: 4q25.
Variant type: single nucleotide variant.
Coding change: c.638C>T on transcript NM_001375905.1 (MANE Select); coding-DNA position 638, C replaced by T.
Protein change: p.Ser213Phe; replaces serine 213 with phenylalanine.
Molecular consequence: missense variant.
Genome position (GRCh38, 1-based): chr4:107,903,297, C>T. VCF-style: chr4-107903297-C-T. GRCh37 (hg19) VCF-style: chr4-108824453-C-T.
Other names: c.638C>T, p.Ser213Phe (NM_001136257.2, NM_001136258.2, NM_001375906.1 and 4 more transcripts); c.119C>T, p.Ser40Phe (NM_001375911.1); short protein forms S213F, S40F.
Identifiers: ClinVar variation 3631039 (VCV003631039.2).
Genomic context (GRCh38, chr4:107,903,297, plus strand): 5'-ATGGAGACTCTCAGGCAAAAGTTCAACGGATTCTACGATTGATTTCTGGTGGTGGATTGT[C>T]CATAACTGGATCACATATCTTATGTGGAGACTTCCTCTTCAGCGGTCACACGGTTACGCT-3'
Protein context (NP_001362834.1, residues 203-223): ILRLISGGGL[Ser213Phe]ITGSHILCGD